The following is an entry in ClinVar:

NM_018723.4(RBFOX1):c.839A>G (p.Tyr280Cys)

Gene: RBFOX1 (RNA binding fox-1 homolog 1; plus strand). Cytogenetic location: 16p13.3.
Variant type: single nucleotide variant.
Coding change: c.839A>G on transcript NM_018723.4 (MANE Select); coding-DNA position 839, A replaced by G.
Protein change: p.Tyr280Cys; replaces tyrosine 280 with cysteine.
Molecular consequence: missense variant.
Genome position (GRCh38, 1-based): chr16:7,653,896, A>G. VCF-style: chr16-7653896-A-G. GRCh37 (hg19) VCF-style: chr16-7703898-A-G.
Other names: c.758A>G, p.Tyr253Cys (NM_001142333.2); c.839A>G, p.Tyr280Cys (NM_001142334.2, NM_001364800.2); c.968A>G, p.Tyr323Cys (NM_001308117.1); c.899A>G, p.Tyr300Cys (NM_145891.3, NM_145892.3, NM_145893.3); short protein forms Y300C, Y323C, Y253C, Y280C.
Identifiers: ClinVar variation 1434215 (VCV001434215.6), dbSNP rs2144812486, ClinGen allele CA394683647.
Genomic context (GRCh38, chr16:7,653,896, plus strand): 5'-CAGCCACCGCCGCGGCCGCCTACCGAGGGGCGCACCTGCGAGGCCGCGGTCGCACCGTGT[A>G]CAACACCTTCAGGGCCGCGGCGCCCCCGCCCCCGATCCCGGCCTACGGCGGGTAAGTGGG-3'
Protein context (NP_061193.2, residues 270-290): AHLRGRGRTV[Tyr280Cys]NTFRAAAPPP

ClinVar aggregate classification (germline): Uncertain significance (1 of 4 stars; one submission).

Conditions:
Idiopathic generalized epilepsy. Also called: Generalised epilepsy; EIG. Identifiers: MedGen C0270850, MONDO:0005579, OMIM 600669.

Allele frequency attached by ClinVar (database versions not stated): gnomAD exomes below 0.00001.
gnomAD v4.1: 3 of 1,598,518 alleles (0.00019%); highest among the groups gnomAD compares: Non-Finnish European, 0.00025%; no homozygotes.

Submission:

Labcorp Genetics (formerly Invitae), Labcorp
Classification: Uncertain significance for Idiopathic generalized epilepsy. Last evaluated: 2022-07-19. Review status: criteria provided, single submitter. Criteria: Invitae Variant Classification Sherloc (09022015). Collection method: clinical testing. Allele origin: germline.
Comment: This variant has not been reported in the literature in individuals affected with RBFOX1-related conditions. ClinVar contains an entry for this variant (Variation ID: 1434215). Algorithms developed to predict the effect of missense changes on protein structure and function are either unavailable or do not agree on the potential impact of this missense change (SIFT: "Tolerated"; PolyPhen-2: "Probably Damaging"; Align-GVGD: "Class C0"). In summary, the available evidence is currently insufficient to determine the role of this variant in disease. Therefore, it has been classified as a Variant of Uncertain Significance. This variant is not present in population databases (gnomAD no frequency). This sequence change replaces tyrosine, which is neutral and polar, with cysteine, which is neutral and slightly polar, at codon 300 of the RBFOX1 protein (p.Tyr300Cys).